The following is an entry in ClinVar:

ClinVar aggregate classification (germline): Conflicting classifications of pathogenicity. Review status: criteria provided, conflicting classifications (1 of 4 stars). 2 submissions from 2 submitters: Uncertain significance (1); Likely benign (1). Last evaluated 2026-07-01.

Conditions:
Gorlin syndrome. Also called: Nevoid Basal Cell Carcinoma Syndrome; Basal cell nevus syndrome. Identifiers: Orphanet 377, MedGen C0004779, MONDO:0007187.
Hereditary cancer-predisposing syndrome. Also called: Hereditary Cancer Syndrome; Hereditary neoplastic syndrome; Neoplastic Syndromes, Hereditary; Tumor predisposition. Identifiers: Orphanet 140162, MedGen C0027672, MeSH D009386, MONDO:0015356.

Allele frequency attached by ClinVar (database versions not stated): TOPMed below 0.00001; gnomAD exomes below 0.00001.
gnomAD v4.1: 2 of 1,609,262 alleles (0.00012%); highest among the groups gnomAD compares: Non-Finnish European, 0.00017%; no homozygotes.

Submissions (2):

Ambry Genetics
Classification: Likely benign for Hereditary cancer-predisposing syndrome. Last evaluated: 2026-07-01. Review status: criteria provided, single submitter. Criteria: Ambry Variant Classification Scheme 2023. Collection method: clinical testing. Allele origin: germline.

Labcorp Genetics (formerly Invitae), Labcorp
Classification: Uncertain significance for Gorlin syndrome. Last evaluated: 2025-06-20. Review status: criteria provided, single submitter. Criteria: Invitae Variant Classification Sherloc (09022015). Collection method: clinical testing. Allele origin: germline.
Comment: This sequence change replaces proline, which is neutral and non-polar, with leucine, which is neutral and non-polar, at codon 1286 of the PTCH1 protein (p.Pro1286Leu). This variant is not present in population databases (gnomAD no frequency). This variant has not been reported in the literature in individuals affected with PTCH1-related conditions. ClinVar contains an entry for this variant (Variation ID: 1735565). Invitae Evidence Modeling of protein sequence and biophysical properties (such as structural, functional, and spatial information, amino acid conservation, physicochemical variation, residue mobility, and thermodynamic stability) indicates that this missense variant is not expected to disrupt PTCH1 protein function with a negative predictive value of 95%. In summary, the available evidence is currently insufficient to determine the role of this variant in disease. Therefore, it has been classified as a Variant of Uncertain Significance.

NM_000264.5(PTCH1):c.3857C>T (p.Pro1286Leu)

Gene: PTCH1 (patched 1; minus strand). Cytogenetic location: 9q22.32.
Variant type: single nucleotide variant.
Coding change: c.3857C>T on transcript NM_000264.5 (MANE Select); coding-DNA position 3857, C replaced by T.
Protein change: p.Pro1286Leu; replaces proline 1286 with leucine.
Molecular consequence: missense variant. On other transcripts: non-coding transcript variant (1).
Genome position (GRCh38, 1-based): chr9:95,447,399, G>A on the plus strand (C>T on the coding strand, the complement: PTCH1 is on the minus strand). VCF-style: chr9-95447399-G-A. GRCh37 (hg19) VCF-style: chr9-98209681-G-A.
Other names: c.3659C>T, p.Pro1220Leu (NM_001083602.3); c.3854C>T, p.Pro1285Leu (NM_001083603.3); c.3404C>T, p.Pro1135Leu (NM_001083604.3, NM_001083605.3, NM_001083606.3 and 1 more transcripts); c.3701C>T, p.Pro1234Leu (NM_001354918.2); short protein forms P1220L, P1285L, P1234L, P1135L, P1286L.
Identifiers: ClinVar variation 1735565 (VCV001735565.10), dbSNP rs1278213544, ClinGen allele CA374110780.